The following is an entry in ClinVar:

ClinVar aggregate classification (germline): Benign. Review status: criteria provided, multiple submitters, no conflicts (2 of 4 stars). 6 submissions from 6 submitters: Benign (6). Last evaluated 2026-02-04.

Conditions:
Autosomal recessive nonsyndromic hearing loss 28. Identifiers: Orphanet 90636, MedGen C1853276, MONDO:0012355, OMIM 609823.

Allele frequency attached by ClinVar (database versions not stated): 1000 Genomes Project 30x 0.33229; 1000 Genomes Project 0.33666; ESP Exome Variant Server 0.34194; TOPMed 0.34948; gnomAD 0.35439 and 0.35756; gnomAD exomes 0.39752 and 0.43237; ExAC 0.44206.
gnomAD v4.1: 668,780 of 1,575,944 alleles (42%); highest among the groups gnomAD compares: East Asian, 56%; 146,185 homozygotes.

Submissions (6):

Labcorp Genetics (formerly Invitae), Labcorp
Classification: Benign. Last evaluated: 2026-02-04. Review status: criteria provided, single submitter. Criteria: Invitae Variant Classification Sherloc (09022015). Collection method: clinical testing. Allele origin: germline.

Genome-Nilou Lab
Classification: Benign for Autosomal recessive nonsyndromic hearing loss 28. Last evaluated: 2021-09-10. Review status: criteria provided, single submitter. Criteria: ACMG Guidelines, 2015. Collection method: clinical testing. Allele origin: germline. Affected: no.

Mayo Clinic Laboratories, Mayo Clinic
Classification: Benign. Last evaluated: 2020-07-02. Review status: criteria provided, single submitter. Criteria: ACMG Guidelines, 2015. Collection method: clinical testing. Allele origin: germline. Observed: 101 variant alleles.

GeneDx
Classification: Benign. Last evaluated: 2017-05-09. Review status: criteria provided, single submitter. Criteria: GeneDx Variant Classification (06012015). Collection method: clinical testing. Allele origin: germline. Affected: yes.
Comment: This variant is considered likely benign or benign based on one or more of the following criteria: it is a conservative change, it occurs at a poorly conserved position in the protein, it is predicted to be benign by multiple in silico algorithms, and/or has population frequency not consistent with disease.

Eurofins Ntd Llc (ga)
Classification: Benign. Last evaluated: 2016-03-08. Review status: criteria provided, single submitter. Criteria: EGL Classification Definitions 2015. Collection method: clinical testing. Allele origin: germline. Observed: 6 variant alleles, 4 heterozygotes, 2 homozygotes.

Breakthrough Genomics
Classification: Benign. Review status: criteria provided, single submitter. Criteria: ACMG Guidelines, 2015. Collection method: not provided. Allele origin: germline. Inheritance: Autosomal recessive inheritance. Affected: yes.

NM_001039141.3(TRIOBP):c.3885C>T (p.Ser1295=)

Gene: TRIOBP (TRIO and F-actin binding protein; plus strand). Cytogenetic location: 22q13.1.
Variant type: single nucleotide variant.
Coding change: c.3885C>T on transcript NM_001039141.3 (MANE Select); coding-DNA position 3885, C replaced by T.
Protein change: p.Ser1295=; no amino-acid change (serine 1295 retained).
Molecular consequence: synonymous variant.
Genome position (GRCh38, 1-based): chr22:37,726,441, C>T. VCF-style: chr22-37726441-C-T. GRCh37 (hg19) VCF-style: chr22-38122448-C-T.
Other names: p.Ser1295=.
Identifiers: ClinVar variation 286830 (VCV000286830.17), dbSNP rs739137, ClinGen allele CA10224240.